The following is an entry in ClinVar:

NM_002470.4(MYH3):c.21G>A (p.Met7Ile)

Gene: MYH3 (myosin heavy chain 3; minus strand). Cytogenetic location: 17p13.1.
Variant type: single nucleotide variant.
Coding change: c.21G>A on transcript NM_002470.4 (MANE Select); coding-DNA position 21, G replaced by A.
Protein change: p.Met7Ile; replaces methionine 7 with isoleucine.
Molecular consequence: missense variant.
Genome position (GRCh38, 1-based): chr17:10,655,044, C>T on the plus strand (G>A on the coding strand, the complement: MYH3 is on the minus strand). VCF-style: chr17-10655044-C-T. GRCh37 (hg19) VCF-style: chr17-10558361-C-T.
Other names: c.21G>A (NM_002470.3); short protein forms M7I.
Identifiers: ClinVar variation 1945879 (VCV001945879.19), dbSNP rs748436283, ClinGen allele CA8393427.

ClinVar aggregate classification (germline): Conflicting classifications of pathogenicity. Review status: criteria provided, conflicting classifications (1 of 4 stars). 4 submissions from 4 submitters: Uncertain significance (2); Likely benign (1). 1 of the submissions does not count toward it. Last evaluated 2025-12-19.

Conditions:
Inborn genetic diseases. Identifiers: MedGen C0950123, MeSH D030342.
MYH3-related disorder. Also called: MYH3-related condition; MYH3-Related Disorders. Identifiers: MedGen CN239329.

Allele frequency attached by ClinVar (database versions not stated): ExAC 0.00002; gnomAD exomes 0.00002; gnomAD 0.00003; TOPMed 0.00003.
gnomAD v4.1: 37 of 1,614,072 alleles (0.0023%); highest among the groups gnomAD compares: Middle Eastern, 0.016%; no homozygotes.

Submissions (4):

Ambry Genetics
Classification: Uncertain significance for Inborn genetic diseases. Last evaluated: 2025-12-19. Review status: criteria provided, single submitter. Criteria: Ambry Variant Classification Scheme 2023. Collection method: clinical testing. Allele origin: germline.

Labcorp Genetics (formerly Invitae), Labcorp
Classification: Uncertain significance. Last evaluated: 2025-12-17. Review status: criteria provided, single submitter. Criteria: Invitae Variant Classification Sherloc (09022015). Collection method: clinical testing. Allele origin: germline.
Comment: This sequence change replaces methionine, which is neutral and non-polar, with isoleucine, which is neutral and non-polar, at codon 7 of the MYH3 protein (p.Met7Ile). This variant is present in population databases (rs748436283, gnomAD 0.005%). This variant has not been reported in the literature in individuals affected with MYH3-related conditions. ClinVar contains an entry for this variant (Variation ID: 1945879). Invitae Evidence Modeling of protein sequence and biophysical properties (such as structural, functional, and spatial information, amino acid conservation, physicochemical variation, residue mobility, and thermodynamic stability) indicates that this missense variant is not expected to disrupt MYH3 protein function with a negative predictive value of 95%. In summary, the available evidence is currently insufficient to determine the role of this variant in disease. Therefore, it has been classified as a Variant of Uncertain Significance.

CeGaT Center for Human Genetics Tuebingen
Classification: Likely benign. Last evaluated: 2025-02-01. Review status: criteria provided, single submitter. Criteria: CeGaT Center For Human Genetics Tuebingen Variant Classification Criteria Version 2. Collection method: clinical testing. Allele origin: germline. Affected: yes. Observed: 1 variant allele.
Comment: MYH3: BS2

PreventionGenetics, part of Exact Sciences
Classification: Uncertain significance for MYH3-related condition. Last evaluated: 2024-09-27. Review status: no assertion criteria provided. Collection method: clinical testing. Allele origin: germline. Not counted in ClinVar's aggregate classification.
Comment: The MYH3 c.21G>A variant is predicted to result in the amino acid substitution p.Met7Ile. To our knowledge, this variant has not been reported in the literature. This variant is reported in 0.0050% of alleles in individuals of East Asian descent in gnomAD v2 (as displayed in the table above). However, in gnomAD v4 (available only on GRCh38), this variant is reported in 0.016% of alleles in individuals of Middle Eastern descent, which is likely too common for a highly penetrant pathogenic variant for dominant disorders. At this time, the clinical significance of this variant is uncertain due to the absence of conclusive functional and genetic evidence.